The following is an entry in ClinVar:

NM_020774.4(MIB1):c.452T>A (p.Ile151Asn)

Gene: MIB1 (MIB E3 ubiquitin protein ligase 1; plus strand). Cytogenetic location: 18q11.2.
Variant type: single nucleotide variant.
Coding change: c.452T>A on transcript NM_020774.4 (MANE Select); coding-DNA position 452, T replaced by A.
Protein change: p.Ile151Asn; replaces isoleucine 151 with asparagine.
Molecular consequence: missense variant.
Genome position (GRCh38, 1-based): chr18:21,768,673, T>A. VCF-style: chr18-21768673-T-A. GRCh37 (hg19) VCF-style: chr18-19348634-T-A.
Other names: short protein forms I151N.
Identifiers: ClinVar variation 1741272 (VCV001741272.2), dbSNP rs1445171784, ClinGen allele CA401761584.

ClinVar aggregate classification (germline): Uncertain significance (1 of 4 stars; one submission).

Conditions:
Inborn genetic diseases. Identifiers: MedGen C0950123, MeSH D030342.

Submission:

Ambry Genetics
Classification: Uncertain significance for Inborn genetic diseases. Last evaluated: 2022-02-04. Review status: criteria provided, single submitter. Criteria: Ambry Variant Classification Scheme 2023. Collection method: clinical testing. Allele origin: germline.
Comment: The p.I151N variant (also known as c.452T>A), located in coding exon 3 of the MIB1 gene, results from a T to A substitution at nucleotide position 452. The isoleucine at codon 151 is replaced by asparagine, an amino acid with dissimilar properties. This amino acid position is conserved. In addition, the in silico prediction for this alteration is inconclusive. Since supporting evidence is limited at this time, the clinical significance of this alteration remains unclear.